The following is an entry in ClinVar:

NM_139027.6(ADAMTS13):c.3661C>T (p.Arg1221Trp)

Gene: ADAMTS13 (ADAM metallopeptidase with thrombospondin type 1 motif 13; plus strand). Cytogenetic location: 9q34.2.
Variant type: single nucleotide variant.
Coding change: c.3661C>T on transcript NM_139027.6 (MANE Select); coding-DNA position 3661, C replaced by T.
Protein change: p.Arg1221Trp; replaces arginine 1221 with tryptophan.
Molecular consequence: missense variant. On other transcripts: non-coding transcript variant (1).
Genome position (GRCh38, 1-based): chr9:133,456,656, C>T. VCF-style: chr9-133456656-C-T. GRCh37 (hg19) VCF-style: chr9-136321778-C-T.
Other names: p.Arg1277Trp; c.3829C>T, p.Arg1277Trp (NM_139025.5); c.3568C>T, p.Arg1190Trp (NM_139026.6); short protein forms R1190W, R1221W, R1277W.
Identifiers: ClinVar variation 2136835 (VCV002136835.4), dbSNP rs140450669, ClinGen allele CA200945543.

ClinVar aggregate classification (germline): Uncertain significance. Review status: criteria provided, multiple submitters, no conflicts (2 of 4 stars). 3 submissions from 3 submitters: Uncertain significance (3). Last evaluated 2025-12-24.

Conditions:
Upshaw-Schulman syndrome (TTP). Also called: THROMBOTIC THROMBOCYTOPENIC PURPURA, HEREDITARY; Congenital thrombotic thrombocytopenic purpura. Identifiers: Orphanet 93583, MedGen C1268935, MONDO:0010122, OMIM 274150.

Allele frequency attached by ClinVar (database versions not stated): gnomAD 0.00003; ESP Exome Variant Server 0.00008.
gnomAD v4.1: 24 of 1,602,578 alleles (0.0015%); highest among the groups gnomAD compares: Middle Eastern, 0.11%; 1 homozygote.

Submissions (3):

Labcorp Genetics (formerly Invitae), Labcorp
Classification: Uncertain significance. Last evaluated: 2025-12-24. Review status: criteria provided, single submitter. Criteria: Invitae Variant Classification Sherloc (09022015). Collection method: clinical testing. Allele origin: germline.
Comment: This sequence change replaces arginine, which is basic and polar, with tryptophan, which is neutral and slightly polar, at codon 1277 of the ADAMTS13 protein (p.Arg1277Trp). This variant is present in population databases (rs140450669, gnomAD 0.004%). This missense change has been observed in individual(s) with non-cirrhotic intrahepatic portal hypertension (PMID: 28980147). ClinVar contains an entry for this variant (Variation ID: 2136835). An algorithm developed to predict the effect of missense changes on protein structure and function outputs the following: PolyPhen-2: "Benign". The tryptophan amino acid residue is found in multiple mammalian species, which suggests that this missense change does not adversely affect protein function. In summary, the available evidence is currently insufficient to determine the role of this variant in disease. Therefore, it has been classified as a Variant of Uncertain Significance.

Mayo Clinic Laboratories, Mayo Clinic
Classification: Uncertain significance. Last evaluated: 2024-02-02. Review status: criteria provided, single submitter. Criteria: ACMG Guidelines, 2015. Collection method: clinical testing. Allele origin: germline. Observed: 1 variant allele.
Comment: BP4, PM1, PM2_moderate

Fulgent Genetics
Classification: Uncertain significance for Upshaw-Schulman syndrome. Last evaluated: 2023-12-29. Review status: criteria provided, single submitter. Criteria: ACMG Guidelines, 2015. Collection method: clinical testing. Allele origin: germline.

Literature cited by the submitters: PubMed 28980147 (cited by Labcorp Genetics (formerly Invitae), Labcorp and Mayo Clinic Laboratories, Mayo Clinic).